The following is an entry in ClinVar:

ClinVar aggregate classification (germline): Likely benign. Review status: criteria provided, single submitter (1 of 4 stars). 2 submissions from 2 submitters: Likely benign (1). 1 of the submissions does not count toward it. Last evaluated 2025-09-19.

Conditions:
NOTCH2-related disorder. Also called: NOTCH2-related condition.
Hajdu-Cheney syndrome (HJCYS). Also called: SERPENTINE FIBULA-POLYCYSTIC KIDNEY SYNDROME; Acroosteolysis dominant type; ACROOSTEOLYSIS WITH OSTEOPOROSIS AND CHANGES IN SKULL AND MANDIBLE. Identifiers: Orphanet 955, MedGen C0917715, MONDO:0007057, OMIM 102500.

Allele frequency attached by ClinVar (database versions not stated): ExAC 0.00002; gnomAD exomes 0.00002 and 0.00003; gnomAD 0.00003 and 0.00004; TOPMed 0.00004; ESP Exome Variant Server 0.00015.
gnomAD v4.1: 50 of 1,613,728 alleles (0.0031%); highest among the groups gnomAD compares: Non-Finnish European, 0.0041%; no homozygotes.

Submissions (2):

Labcorp Genetics (formerly Invitae), Labcorp
Classification: Likely benign for Hajdu-Cheney syndrome. Last evaluated: 2025-09-19. Review status: criteria provided, single submitter. Criteria: Invitae Variant Classification Sherloc (09022015). Collection method: clinical testing. Allele origin: germline.

PreventionGenetics, part of Exact Sciences
Classification: Likely benign for NOTCH2-related condition. Last evaluated: 2024-01-03. Review status: no assertion criteria provided. Collection method: clinical testing. Allele origin: germline. Not counted in ClinVar's aggregate classification.
Comment: This variant is classified as likely benign based on ACMG/AMP sequence variant interpretation guidelines (Richards et al. 2015 PMID: 25741868, with internal and published modifications).

NM_024408.4(NOTCH2):c.6711T>C (p.Ser2237=)

Gene: NOTCH2 (notch receptor 2; minus strand). Cytogenetic location: 1p12.
Variant type: single nucleotide variant.
Coding change: c.6711T>C on transcript NM_024408.4 (MANE Select); coding-DNA position 6711, T replaced by C.
Protein change: p.Ser2237=; no amino-acid change (serine 2237 retained).
Molecular consequence: synonymous variant.
Genome position (GRCh38, 1-based): chr1:119,916,011, A>G on the plus strand (T>C on the coding strand, the complement: NOTCH2 is on the minus strand). VCF-style: chr1-119916011-A-G. GRCh37 (hg19) VCF-style: chr1-120458634-A-G.
Other names: c.6711T>C (NM_024408.3).
Identifiers: ClinVar variation 1643888 (VCV001643888.10), dbSNP rs369394477, ClinGen allele CA1039385.